The following is an entry in ClinVar:

NM_000069.3(CACNA1S):c.618G>A (p.Met206Ile)

Gene: CACNA1S (calcium voltage-gated channel subunit alpha1 S; minus strand). Cytogenetic location: 1q32.1.
Variant type: single nucleotide variant.
Coding change: c.618G>A on transcript NM_000069.3 (MANE Select); coding-DNA position 618, G replaced by A.
Protein change: p.Met206Ile; replaces methionine 206 with isoleucine.
Molecular consequence: missense variant.
Genome position (GRCh38, 1-based): chr1:201,091,716, C>T on the plus strand (G>A on the coding strand, the complement: CACNA1S is on the minus strand). VCF-style: chr1-201091716-C-T. GRCh37 (hg19) VCF-style: chr1-201060844-C-T.
Other names: short protein forms M206I.
Identifiers: ClinVar variation 2927853 (VCV002927853.3), dbSNP rs2464623552, ClinGen allele CA344140052.

ClinVar aggregate classification (germline): Uncertain significance (1 of 4 stars; one submission).

Conditions:
Malignant hyperthermia, susceptibility to, 5 (MHS5). Also called: CACNA1S-Related Malignant Hyperthermia Susceptibility. Identifiers: Orphanet 423, MedGen C1866077, MONDO:0011163, OMIM 601887.
Hypokalemic periodic paralysis, type 1. Also called: Hypokalemic Periodic Paralysis Type 1 (AD); HypoPP. Identifiers: Orphanet 681, MedGen C3714580, MONDO:0042979, OMIM 170400.

Allele frequency attached by ClinVar (database versions not stated): gnomAD exomes below 0.00001.
gnomAD v4.1: 1 of 1,614,072 alleles (0.000062%); highest among the groups gnomAD compares: Non-Finnish European, 0.000085%; no homozygotes.

Submission:

Labcorp Genetics (formerly Invitae), Labcorp
Classification: Uncertain significance for Hypokalemic periodic paralysis, type 1; Malignant hyperthermia, susceptibility to, 5. Last evaluated: 2023-08-14. Review status: criteria provided, single submitter. Criteria: Invitae Variant Classification Sherloc (09022015). Collection method: clinical testing. Allele origin: germline.
Comment: In summary, the available evidence is currently insufficient to determine the role of this variant in disease. Therefore, it has been classified as a Variant of Uncertain Significance. Advanced modeling of protein sequence and biophysical properties (such as structural, functional, and spatial information, amino acid conservation, physicochemical variation, residue mobility, and thermodynamic stability) performed at Invitae indicates that this missense variant is not expected to disrupt CACNA1S protein function. This variant has not been reported in the literature in individuals affected with CACNA1S-related conditions. This variant is not present in population databases (gnomAD no frequency). This sequence change replaces methionine, which is neutral and non-polar, with isoleucine, which is neutral and non-polar, at codon 206 of the CACNA1S protein (p.Met206Ile).